The following is an entry in ClinVar:

ClinVar aggregate classification (germline): Pathogenic (1 of 4 stars; one submission).

Submission:

Labcorp Genetics (formerly Invitae), Labcorp
Classification: Pathogenic. Last evaluated: 2023-07-08. Review status: criteria provided, single submitter. Criteria: Invitae Variant Classification Sherloc (09022015). Collection method: clinical testing. Allele origin: germline.
Comment: This sequence change creates a premature translational stop signal (p.Asp238Alafs*92) in the TGM1 gene. It is expected to result in an absent or disrupted protein product. Loss-of-function variants in TGM1 are known to be pathogenic (PMID: 18948357, 19241467). For these reasons, this variant has been classified as Pathogenic. This variant has not been reported in the literature in individuals affected with TGM1-related conditions. This variant is not present in population databases (gnomAD no frequency).

Literature cited by the submitters: PubMed 18948357; PubMed 19241467.

NM_000359.3(TGM1):c.713del (p.Asp238fs)

Gene: TGM1 (transglutaminase 1; minus strand). Cytogenetic location: 14q12.
Variant type: Deletion.
Coding change: c.713del on transcript NM_000359.3 (MANE Select); coding-DNA position 713, one base deleted (A; older notation c.713delA).
Protein change: p.Asp238fs; shifts the reading frame from aspartic acid 238.
Molecular consequence: frameshift variant.
Genome position (GRCh38, 1-based): chr14:24,260,494, T deleted on the plus strand (A on the coding strand, the reverse complement: TGM1 is on the minus strand). VCF-style (leftmost placement, unchanged base first): chr14-24260493-GT-G. GRCh37 (hg19) VCF-style: chr14-24729699-GT-G.
Other names: short protein forms D238fs.
Identifiers: ClinVar variation 2739027 (VCV002739027.3), dbSNP rs2502505581, ClinGen allele CA2695219166.